The following is an entry in ClinVar:

ClinVar aggregate classification (germline): Uncertain significance (1 of 4 stars; one submission).

Conditions:
Hyper-IgE recurrent infection syndrome 1, autosomal dominant. Also called: JOB SYNDROME; HYPER-IgE SYNDROME 1, AUTOSOMAL DOMINANT, WITH RECURRENT INFECTIONS; Job's Syndrome; STAT3 Hyper IgE Syndrome; Hyper-IgE recurrent infection syndrome 1. Identifiers: Orphanet 2314, MedGen C2936739, MONDO:0007818, OMIM 147060.
STAT3 gain of function. Identifiers: MedGen C4288261.

Submission:

Labcorp Genetics (formerly Invitae), Labcorp
Classification: Uncertain significance for STAT3 gain of function; Hyper-IgE recurrent infection syndrome 1, autosomal dominant. Last evaluated: 2024-04-10. Review status: criteria provided, single submitter. Criteria: Invitae Variant Classification Sherloc (09022015). Collection method: clinical testing. Allele origin: germline.
Comment: This sequence change falls in intron 18 of the STAT3 gene. It does not directly change the encoded amino acid sequence of the STAT3 protein. It affects a nucleotide within the consensus splice site. This variant is not present in population databases (gnomAD no frequency). This variant has not been reported in the literature in individuals affected with STAT3-related conditions. ClinVar contains an entry for this variant (Variation ID: 2013563). Variants that disrupt the consensus splice site are a relatively common cause of aberrant splicing (PMID: 17576681, 9536098). Algorithms developed to predict the effect of sequence changes on RNA splicing suggest that this variant is not likely to affect RNA splicing. In summary, the available evidence is currently insufficient to determine the role of this variant in disease. Therefore, it has been classified as a Variant of Uncertain Significance.

Literature cited by the submitters: PubMed 17576681; PubMed 9536098.

NM_139276.3(STAT3):c.1654-3C>T

Gene: STAT3 (signal transducer and activator of transcription 3; minus strand). Cytogenetic location: 17q21.2.
Variant type: single nucleotide variant.
Coding change: c.1654-3C>T on transcript NM_139276.3 (MANE Select); 3 bases into the intron before coding-DNA position 1654, C replaced by T.
Molecular consequence: intron variant.
Genome position (GRCh38, 1-based): chr17:42,323,357, G>A on the plus strand (C>T on the coding strand, the complement: STAT3 is on the minus strand). VCF-style: chr17-42323357-G-A. GRCh37 (hg19) VCF-style: chr17-40475375-G-A.
Other names: c.1558-3C>T (NM_001384989.1); c.1594-3C>T (NM_001384992.1); c.1570-3C>T (NM_001384984.1); c.1654-3C>T (NM_001369519.1, NM_003150.4, NM_001369517.1 and 10 more transcripts); c.1576-3C>T (NM_001384985.1); c.1633-3C>T (NM_001384987.1); c.1669-3C>T (NM_001384986.1, NM_001384990.1).
Identifiers: ClinVar variation 2013563 (VCV002013563.4), dbSNP rs2509225111, ClinGen allele CA2552151956.
Genomic context (GRCh38, chr17:42,323,357, plus strand): 5'-GGTCAATGATATTGTCCAGCCAGACCCAGAAGGAGAAGCCCTTGCCAGCCATGTTTTCCT[G>A]GAGAAAAGAGTAATGGGAAAGCCAAGTCTACTGCCATCCCAGCCCTTCCCTTCCTAGGGG-3'